The following is an entry in ClinVar:

NM_024301.5(FKRP):c.115C>T (p.Pro39Ser)

Gene: FKRP (fukutin related protein; plus strand). Cytogenetic location: 19q13.32.
Variant type: single nucleotide variant.
Coding change: c.115C>T on transcript NM_024301.5 (MANE Select); coding-DNA position 115, C replaced by T.
Protein change: p.Pro39Ser; replaces proline 39 with serine.
Molecular consequence: missense variant.
Genome position (GRCh38, 1-based): chr19:46,755,565, C>T. VCF-style: chr19-46755565-C-T. GRCh37 (hg19) VCF-style: chr19-47258822-C-T.
Other names: c.115C>T, p.Pro39Ser (NM_001039885.3); short protein forms P39S.
Identifiers: ClinVar variation 1412249 (VCV001412249.8), dbSNP rs772667330, ClinGen allele CA9532113.

ClinVar aggregate classification (germline): Uncertain significance (1 of 4 stars; one submission).

Conditions:
Walker-Warburg congenital muscular dystrophy. Also called: Muscular dystrophy-dystroglycanopathy, type A; Walker-Warburg syndrome. Identifiers: Orphanet 899, MedGen C0265221, MONDO:0000171.

Submission:

Labcorp Genetics (formerly Invitae), Labcorp
Classification: Uncertain significance for Walker-Warburg congenital muscular dystrophy. Last evaluated: 2022-06-20. Review status: criteria provided, single submitter. Criteria: Invitae Variant Classification Sherloc (09022015). Collection method: clinical testing. Allele origin: germline.
Comment: This sequence change replaces proline, which is neutral and non-polar, with serine, which is neutral and polar, at codon 39 of the FKRP protein (p.Pro39Ser). The frequency data for this variant in the population databases is considered unreliable, as metrics indicate poor data quality at this position in the gnomAD database. This variant has not been reported in the literature in individuals affected with FKRP-related conditions. Algorithms developed to predict the effect of missense changes on protein structure and function output the following: SIFT: "Deleterious"; PolyPhen-2: "Benign"; Align-GVGD: "Class C0". The serine amino acid residue is found in multiple mammalian species, which suggests that this missense change does not adversely affect protein function. In summary, the available evidence is currently insufficient to determine the role of this variant in disease. Therefore, it has been classified as a Variant of Uncertain Significance.